The following is an entry in ClinVar:

NM_006329.4(FBLN5):c.229C>T (p.Arg77Ter)

Gene: FBLN5 (fibulin 5; minus strand). Cytogenetic location: 14q32.12.
Variant type: single nucleotide variant.
Coding change: c.229C>T on transcript NM_006329.4 (MANE Select); coding-DNA position 229, C replaced by T.
Protein change: p.Arg77Ter; replaces arginine 77 with a stop codon.
Molecular consequence: nonsense.
Genome position (GRCh38, 1-based): chr14:91,937,097, G>A on the plus strand (C>T on the coding strand, the complement: FBLN5 is on the minus strand). VCF-style: chr14-91937097-G-A. GRCh37 (hg19) VCF-style: chr14-92403441-G-A.
Other names: c.352C>T, p.Arg118Ter (NM_001384158.1); c.280C>T, p.Arg94Ter (NM_001384159.1); c.229C>T, p.Arg77Ter (NM_001384160.1); c.61C>T, p.Arg21Ter (NM_001384161.1, NM_001384162.1); short protein forms R118*, R21*, R77*, R94*.
Identifiers: ClinVar variation 1315616 (VCV001315616.2), dbSNP rs758038859, ClinGen allele CA390639906.

ClinVar aggregate classification (germline): Uncertain significance (1 of 4 stars; one submission).

Submission:

GeneDx
Classification: Uncertain significance. Last evaluated: 2019-06-17. Review status: criteria provided, single submitter. Criteria: GeneDx Variant Classification Process June 2021. Collection method: clinical testing. Allele origin: germline. Affected: yes.
Comment: Has not been previously published as pathogenic or benign to our knowledge; Nonsense variant predicted to result in protein truncation or nonsense mediated decay in a gene for which loss-of-function is not a well-established mechanism of disease; Not observed in large population cohorts (Lek et al., 2016); Two other nonsense variants in the FBLN5 gene have been reported in Human Gene Mutation Database in association with autosomal recessive cutis laxa (Stenson et al., 2014)